The following is an entry in ClinVar:

ClinVar aggregate classification (germline): Likely pathogenic (1 of 4 stars; one submission).

Conditions:
Polycystic kidney disease, adult type (PKD1). Also called: Polycystic Kidney, Autosomal Dominant; POLYCYSTIC KIDNEY DISEASE 1 WITH OR WITHOUT POLYCYSTIC LIVER DISEASE; Polycystic Kidney Disease 1, Autosomal Dominant; Polycystic kidney disease 1; Polycystic kidney disease 1, severe; POLYCYSTIC KIDNEY DISEASE, ADULT, TYPE I. Identifiers: MedGen C3149841, MONDO:0008263, OMIM 173900.

Submission:

MVZ Medizinische Genetik Mainz
Classification: Likely pathogenic for Polycystic kidney disease, adult type. Last evaluated: 2025-02-26. Review status: criteria provided, single submitter. Criteria: UK Practice Guidelines For Variant Classification V4 01 2020. Collection method: clinical testing. Allele origin: germline. Inheritance: Autosomal dominant inheritance. Affected: yes. Observed: 1 variant allele.
Comment: ACMG Criteria: PVS1_STR,PM2_SUP,PP4

NM_001009944.3(PKD1):c.12794del (p.Gly4265fs)

Gene: PKD1 (polycystin 1, transient receptor potential channel interacting; minus strand). Cytogenetic location: 16p13.3.
Variant type: Deletion.
Coding change: c.12794del on transcript NM_001009944.3 (MANE Select); coding-DNA position 12794, one base deleted (G; older notation c.12794delG).
Protein change: p.Gly4265fs; shifts the reading frame from glycine 4265.
Molecular consequence: frameshift variant.
Genome position (GRCh38, 1-based): chr16:2,089,845, C deleted on the plus strand (G on the coding strand, the reverse complement: PKD1 is on the minus strand); the first of 3 consecutive C bases (chr16:2,089,845-2,089,847); deleting any one gives the same sequence. VCF-style (leftmost placement, unchanged base first): chr16-2089844-GC-G. GRCh37 (hg19) VCF-style: chr16-2139845-GC-G.
Other names: c.12791del, p.Gly4264fs (NM_000296.4); short protein forms G4264fs, G4265fs.
Identifiers: ClinVar variation 3774575 (VCV003774575.1).
Genomic context (GRCh38, chr16:2,089,844, plus strand): 5'-AGTGGCCAGGTCCACACCCCGACTGGCCCGGGCAAGGCGGCTGGGCAGTGCTGGCCGCAG[GC>G]CCGGGGATGGGCCACGGGAAGATCCGGCGGGCGCCCGGCTGCTCCTGCGGCCTTGCAGGC-3'